The following is an entry in ClinVar:

ClinVar aggregate classification (germline): Uncertain significance (1 of 4 stars; one submission).

gnomAD v4.1: 15 of 1,609,978 alleles (0.00093%); highest among the groups gnomAD compares: Non-Finnish European, 0.0013%; no homozygotes.

Submission:

Women's Health and Genetics/Laboratory Corporation of America, LabCorp
Classification: Uncertain significance. Last evaluated: 2026-03-13. Review status: criteria provided, single submitter. Criteria: LabCorp Variant Classification Summary - May 2015. Collection method: clinical testing. Allele origin: germline.
Comment: Variant summary: ADAMTS2 c.534+6T>A alters a conserved nucleotide located close to a canonical splice site and therefore could affect mRNA splicing, leading to a significantly altered protein sequence. Several computational tools predict a significant impact on normal splicing: three predict the variant weakens the 5' donor site, while one predicts no significant impact on splicing. However, these predictions have yet to be confirmed by functional studies. The variant allele was found at a frequency of 9.4e-06 in 1603012 control chromosomes (gnomAD). This frequency is not significantly higher than estimated for disease-causing variants in ADAMTS2, allowing no conclusion about variant significance. To our knowledge, no occurrence of c.534+6T>A in individuals affected with ADAMTS2-related conditions and no experimental evidence demonstrating its impact on protein function have been reported. No submitters have cited clinical-significance assessments for this variant to ClinVar. Based on the evidence outlined above, the variant was classified as uncertain significance.

NM_014244.5(ADAMTS2):c.534+6T>A

Gene: ADAMTS2 (ADAM metallopeptidase with thrombospondin type 1 motif 2; minus strand). Cytogenetic location: 5q35.3.
Variant type: single nucleotide variant.
Coding change: c.534+6T>A on transcript NM_014244.5 (MANE Select); 6 bases into the intron after coding-DNA position 534, T replaced by A.
Molecular consequence: intron variant.
Genome position (GRCh38, 1-based): chr5:179,343,761, A>T on the plus strand (T>A on the coding strand, the complement: ADAMTS2 is on the minus strand). VCF-style: chr5-179343761-A-T. GRCh37 (hg19) VCF-style: chr5-178770762-A-T.
Other names: c.534+6T>A (NM_021599.4).
Identifiers: ClinVar variation 4847234 (VCV004847234.1).
Genomic context (GRCh38, chr5:179,343,761, plus strand): 5'-GTAACCCTTTTCCAAAACCCAGGCGAGAGCAGCGGAGAGAAAGGAGCTAGAGAAGTGCGT[A>T]CTCACCAGCCCATCGCAGTTGCTGAGCGCCACAGAGGAGGCTTCGGCTAGGCCGGCCACG-3'